The following is an entry in ClinVar:

ClinVar aggregate classification (germline): Uncertain significance (1 of 4 stars; one submission).

gnomAD v4.1: 3 of 1,614,094 alleles (0.00019%); highest among the groups gnomAD compares: African/African-American, 0.0027%; no homozygotes.

Submission:

GeneDx
Classification: Uncertain significance. Last evaluated: 2025-10-28. Review status: criteria provided, single submitter. Criteria: GeneDx Variant Classification Process June 2021. Collection method: clinical testing. Allele origin: germline.
Comment: Not observed at significant frequency in large population cohorts (gnomAD); In silico analysis suggests that this missense variant does not alter protein structure/function; Has not been previously published as pathogenic or benign to our knowledge; This variant is associated with the following publications: (PMID: 21520338, 31554319, 9590290, 16718611)

NM_005422.4(TECTA):c.5701G>A (p.Glu1901Lys)

Genes: TBCEL-TECTA (TBCEL-TECTA readthrough; plus strand), TECTA (tectorin alpha; plus strand). Cytogenetic location: 11q23.3.
Variant type: single nucleotide variant.
Coding change: c.5701G>A on transcript NM_005422.4 (MANE Select); coding-DNA position 5701, G replaced by A.
Protein change: p.Glu1901Lys; replaces glutamic acid 1901 with lysine.
Molecular consequence: missense variant.
Genome position (GRCh38, 1-based): chr11:121,168,168, G>A. VCF-style: chr11-121168168-G-A. GRCh37 (hg19) VCF-style: chr11-121038877-G-A.
Other names: c.6643G>A, p.Glu2215Lys (NM_001378761.1); short protein forms E1901K, E2215K.
Identifiers: ClinVar variation 3365300 (VCV003365300.2).
Genomic context (GRCh38, chr11:121,168,168, plus strand): 5'-AACACTGGCAACATCATCACCAGGGACCGCACGATCAATGTGGAATTTTCATGTGCTTAT[G>A]AGCTGGATATCAAGATCTCCTTGGATTCTGTTGTGAAGCCTATGCTAAGGTAAGGTGTCT-3'
Protein context (NP_005413.2, residues 1891-1911): TINVEFSCAY[Glu1901Lys]LDIKISLDSV